The following is an entry in ClinVar:

ClinVar aggregate classification (germline): Uncertain significance (1 of 4 stars; one submission).

gnomAD v4.1: 14 of 1,610,898 alleles (0.00087%); highest among the groups gnomAD compares: Non-Finnish European, 0.0012%; no homozygotes.

Submission:

GeneDx
Classification: Uncertain significance. Last evaluated: 2024-09-03. Review status: criteria provided, single submitter. Criteria: GeneDx Variant Classification Process June 2021. Collection method: clinical testing. Allele origin: germline. Affected: yes.
Comment: In silico analysis supports a deleterious effect on splicing; In silico analysis supports that this missense variant has a deleterious effect on protein structure/function; Has not been previously published as pathogenic or benign to our knowledge

NM_006946.4(SPTBN2):c.658C>A (p.Pro220Thr)

Gene: SPTBN2 (spectrin beta, non-erythrocytic 2; minus strand). Cytogenetic location: 11q13.2.
Variant type: single nucleotide variant.
Coding change: c.658C>A on transcript NM_006946.4 (MANE Select); coding-DNA position 658, C replaced by A.
Protein change: p.Pro220Thr; replaces proline 220 with threonine.
Molecular consequence: missense variant.
Genome position (GRCh38, 1-based): chr11:66,713,745, G>T on the plus strand (C>A on the coding strand, the complement: SPTBN2 is on the minus strand). VCF-style: chr11-66713745-G-T. GRCh37 (hg19) VCF-style: chr11-66481216-G-T.
Other names: c.679C>A, p.Pro227Thr (NM_001411025.1); short protein forms P220T, P227T.
Identifiers: ClinVar variation 3766017 (VCV003766017.1).